The following is an entry in ClinVar:

ClinVar aggregate classification (germline): Uncertain significance (1 of 4 stars; one submission).

Conditions:
Aural atresia, congenital (CAA). Also called: AURAL ATRESIA, CONGENITAL, WITH HYPOSMIA. Identifiers: MedGen C1842937, MONDO:0011921, OMIM 607842.

Submission:

3billion
Classification: Uncertain significance for Aural atresia, congenital. Last evaluated: 2024-06-12. Review status: criteria provided, single submitter. Criteria: ACMG Guidelines, 2015. Collection method: clinical testing. Allele origin: germline. Affected: yes.
Comment: The variant is not observed in the gnomAD v4.0.0 dataset. Predicted Consequence/Location: Start-lost: reinitiation of translation may occur at a downstream alternate start codon but still result in a loss or disruption of normal protein function. Therefore, this variant is classified as VUS according to the recommendation of ACMG/AMP guideline.

NM_001308210.2(TSHZ1):c.1A>C (p.Met1Leu)

Genes: TSHZ1 (teashirt zinc finger homeobox 1; plus strand), LOC130062726 (ATAC-STARR-seq lymphoblastoid silent region 9549; plus strand). Cytogenetic location: 18q22.3.
Variant type: single nucleotide variant.
Coding change: c.1A>C on transcript NM_001308210.2 (MANE Select); coding-DNA position 1, A replaced by C.
Protein change: p.Met1Leu; changes the start codon (methionine 1).
Molecular consequence: missense variant, initiator codon variant. On other transcripts: intron variant (1).
Genome position (GRCh38, 1-based): chr18:75,211,877, A>C. VCF-style: chr18-75211877-A-C. GRCh37 (hg19) VCF-style: chr18-72923832-A-C.
Other names: c.-96+634A>C (NM_005786.6); short protein forms M1L.
Identifiers: ClinVar variation 4293551 (VCV004293551.1).